The following is an entry in ClinVar:

ClinVar aggregate classification (germline): Benign. Review status: criteria provided, multiple submitters, no conflicts (2 of 4 stars). 2 submissions from 2 submitters: Benign (2). Last evaluated 2021-09-13.

Allele frequency attached by ClinVar (database versions not stated): gnomAD 0.00821 and 0.00789; gnomAD exomes 0.00069 and 0.00203; TOPMed 0.00825; ESP Exome Variant Server 0.01030; ExAC 0.00243; 1000 Genomes Project 0.00759; 1000 Genomes Project 30x 0.00796.
gnomAD v4.1: 2,248 of 1,613,850 alleles (0.14%); highest among the groups gnomAD compares: African/African-American, 2.7%; 38 homozygotes.

Submissions (2):

Mayo Clinic Laboratories, Mayo Clinic
Classification: Benign. Last evaluated: 2021-09-13. Review status: criteria provided, single submitter. Criteria: ACMG Guidelines, 2015. Collection method: clinical testing. Allele origin: germline. Observed: 7 variant alleles.
Comment: BS1, BS2, BP7

PreventionGenetics, part of Exact Sciences
Classification: Benign. Review status: criteria provided, single submitter. Criteria: ACMG Guidelines, 2015. Collection method: clinical testing. Allele origin: germline.

NM_182760.4(SUMF1):c.444+27A>G

Gene: SUMF1 (sulfatase modifying factor 1; minus strand). Cytogenetic location: 3p26.1.
Variant type: single nucleotide variant.
Coding change: c.444+27A>G on transcript NM_182760.4 (MANE Select); 27 bases into the intron after coding-DNA position 444, A replaced by G.
Molecular consequence: intron variant.
Genome position (GRCh38, 1-based): chr3:4,452,849, T>C on the plus strand (A>G on the coding strand, the complement: SUMF1 is on the minus strand). VCF-style: chr3-4452849-T-C. GRCh37 (hg19) VCF-style: chr3-4494533-T-C.
Other names: p.?; c.444+27A>G (NM_001164674.2, NM_001164675.2).
Identifiers: ClinVar variation 263005 (VCV000263005.3), dbSNP rs56662447, ClinGen allele CA2230611.